The following is an entry in ClinVar:

NM_000918.4(P4HB):c.568A>T (p.Ser190Cys)

Gene: P4HB (prolyl 4-hydroxylase subunit beta; minus strand). Cytogenetic location: 17q25.3.
Variant type: single nucleotide variant.
Coding change: c.568A>T on transcript NM_000918.4 (MANE Select); coding-DNA position 568, A replaced by T.
Protein change: p.Ser190Cys; replaces serine 190 with cysteine.
Molecular consequence: missense variant.
Genome position (GRCh38, 1-based): chr17:81,855,198, T>A on the plus strand (A>T on the coding strand, the complement: P4HB is on the minus strand). VCF-style: chr17-81855198-T-A. GRCh37 (hg19) VCF-style: chr17-79813074-T-A.
Other names: c.568A>T (NM_000918.3); short protein forms S190C.
Identifiers: ClinVar variation 2969856 (VCV002969856.4), dbSNP rs202139152, ClinGen allele CA8842920.

ClinVar aggregate classification (germline): Uncertain significance. Review status: criteria provided, multiple submitters, no conflicts (2 of 4 stars). 2 submissions from 2 submitters: Uncertain significance (2). Last evaluated 2025-10-22.

Conditions:
Inborn genetic diseases. Identifiers: MedGen C0950123, MeSH D030342.

Allele frequency attached by ClinVar (database versions not stated): ExAC 0.00002; gnomAD 0.00004; TOPMed 0.00004; gnomAD exomes 0.00007.
gnomAD v4.1: 109 of 1,613,912 alleles (0.0068%); highest among the groups gnomAD compares: African/African-American, 0.0093%; no homozygotes.

Submissions (2):

Ambry Genetics
Classification: Uncertain significance for Inborn genetic diseases. Last evaluated: 2025-10-22. Review status: criteria provided, single submitter. Criteria: Ambry Variant Classification Scheme 2023. Collection method: clinical testing. Allele origin: germline.

Labcorp Genetics (formerly Invitae), Labcorp
Classification: Uncertain significance. Last evaluated: 2024-08-09. Review status: criteria provided, single submitter. Criteria: Invitae Variant Classification Sherloc (09022015). Collection method: clinical testing. Allele origin: germline.
Comment: This sequence change replaces serine, which is neutral and polar, with cysteine, which is neutral and slightly polar, at codon 190 of the P4HB protein (p.Ser190Cys). This variant is present in population databases (rs202139152, gnomAD 0.01%). This variant has not been reported in the literature in individuals affected with P4HB-related conditions. Advanced modeling of protein sequence and biophysical properties (such as structural, functional, and spatial information, amino acid conservation, physicochemical variation, residue mobility, and thermodynamic stability) performed at Invitae indicates that this missense variant is not expected to disrupt P4HB protein function with a negative predictive value of 80%. In summary, the available evidence is currently insufficient to determine the role of this variant in disease. Therefore, it has been classified as a Variant of Uncertain Significance.